The following is an entry in ClinVar:

ClinVar aggregate classification (germline): Uncertain significance (1 of 4 stars; one submission).

Conditions:
Epidermolysis bullosa simplex 3, localized or generalized intermediate, with BP230 deficiency (EBS3). Also called: Epidermolysis bullosa simplex due to BP230 deficiency; Epidermolysis bullosa simplex, autosomal recessive 2. Identifiers: Orphanet 412181, MedGen C3809470, MONDO:0014180, OMIM 615425.
Hereditary sensory and autonomic neuropathy type 6. Also called: HSAN VI; Neuropathy, hereditary sensory and autonomic, type VI. Identifiers: Orphanet 314381, MedGen C3539003, MONDO:0013839, OMIM 614653.

Allele frequency attached by ClinVar (database versions not stated): TOPMed below 0.00001; gnomAD 0.00001.
gnomAD v4.1: 1 of 1,612,582 alleles (0.000062%); highest among the groups gnomAD compares: Non-Finnish European, 0.000085%; no homozygotes.

Submission:

Labcorp Genetics (formerly Invitae), Labcorp
Classification: Uncertain significance for Epidermolysis bullosa simplex 3, localized or generalized intermediate, with BP230 deficiency; Hereditary sensory and autonomic neuropathy type 6. Last evaluated: 2021-03-11. Review status: criteria provided, single submitter. Criteria: Invitae Variant Classification Sherloc (09022015). Collection method: clinical testing. Allele origin: germline.
Comment: Experimental studies and prediction algorithms are not available or were not evaluated, and the functional significance of this variant is currently unknown. This variant is not present in population databases (ExAC no frequency). This variant has not been reported in the literature in individuals with DST-related conditions. In summary, the available evidence is currently insufficient to determine the role of this variant in disease. Therefore, it has been classified as a Variant of Uncertain Significance. This sequence change replaces threonine with alanine at codon 4205 of the DST protein (p.Thr4205Ala). The DST gene has multiple clinically relevant transcripts. This variant occurs in alternate transcript NM_015548.4, and corresponds to NM_001723.5:c.*122515A>G in the primary transcript.

NM_001374736.1(DST):c.20482A>G (p.Thr6828Ala)

Gene: DST (dystonin; minus strand). Cytogenetic location: 6p12.1.
Variant type: single nucleotide variant.
Coding change: c.20482A>G on transcript NM_001374736.1 (MANE Select); coding-DNA position 20482, A replaced by G.
Protein change: p.Thr6828Ala; replaces threonine 6828 with alanine.
Molecular consequence: missense variant.
Genome position (GRCh38, 1-based): chr6:56,493,002, T>C on the plus strand (A>G on the coding strand, the complement: DST is on the minus strand). VCF-style: chr6-56493002-T-C. GRCh37 (hg19) VCF-style: chr6-56357800-T-C.
Other names: c.14125A>G, p.Thr4709Ala (NM_001144769.5); c.13711A>G, p.Thr4571Ala (NM_001144770.2); c.20482A>G, p.Thr6828Ala (NM_001374722.1); c.19522A>G, p.Thr6508Ala (NM_001374729.1); c.13264A>G, p.Thr4422Ala (NM_001374730.1); c.20509A>G, p.Thr6837Ala (NM_001374734.1); c.13591A>G, p.Thr4531Ala (NM_001386100.1, NM_183380.4); c.12613A>G, p.Thr4205Ala (NM_015548.5); short protein forms T4531A, T4571A, T6828A, T6837A, T4205A, T4422A, T4709A, T6508A.
Identifiers: ClinVar variation 1516011 (VCV001516011.6), dbSNP rs1258714768, ClinGen allele CA364515986.